The following is an entry in ClinVar:

ClinVar aggregate classification (germline): Uncertain significance (1 of 4 stars; one submission).

Conditions:
Malignant hyperthermia, susceptibility to, 5 (MHS5). Also called: CACNA1S-Related Malignant Hyperthermia Susceptibility. Identifiers: Orphanet 423, MedGen C1866077, MONDO:0011163, OMIM 601887.

gnomAD v4.1: 1 of 1,612,206 alleles (0.000062%); highest among the groups gnomAD compares: South Asian, 0.0011%; no homozygotes.

Submission:

All of Us Research Program, National Institutes of Health
Classification: Uncertain significance for Malignant hyperthermia, susceptibility to, 5. Last evaluated: 2024-04-16. Review status: criteria provided, single submitter. Criteria: ACMG Guidelines, 2015. Collection method: clinical testing. Allele origin: germline. Inheritance: Autosomal dominant inheritance. Observed: 1 variant allele, 1 heterozygote.
Comment: This missense variant replaces isoleucine with valine at codon 408 of the CACNA1S protein. Computational prediction suggests that this variant may not impact protein structure and function (internally defined REVEL score threshold <= 0.5, PMID: 27666373). To our knowledge, functional studies have not been reported for this variant. This variant has not been reported in individuals affected with CACNA1S-related disorders in the literature. This variant has not been identified in the general population by the Genome Aggregation Database (gnomAD). The available evidence is insufficient to determine the role of this variant in disease conclusively. Therefore, this variant is classified as a Variant of Uncertain Significance.

This study involves interpretation of variants in research participants for the purpose of population health screening. Participant phenotype was not available at the time of variant classification. Additional details can be found in publication PMID: 35346344, PMCID: PMC8962531

NM_000069.3(CACNA1S):c.1222A>G (p.Ile408Val)

Gene: CACNA1S (calcium voltage-gated channel subunit alpha1 S; minus strand). Cytogenetic location: 1q32.1.
Variant type: single nucleotide variant.
Coding change: c.1222A>G on transcript NM_000069.3 (MANE Select); coding-DNA position 1222, A replaced by G.
Protein change: p.Ile408Val; replaces isoleucine 408 with valine.
Molecular consequence: missense variant.
Genome position (GRCh38, 1-based): chr1:201,084,960, T>C on the plus strand (A>G on the coding strand, the complement: CACNA1S is on the minus strand). VCF-style: chr1-201084960-T-C. GRCh37 (hg19) VCF-style: chr1-201054088-T-C.
Other names: short protein forms I408V.
Identifiers: ClinVar variation 3386389 (VCV003386389.1).